The following is an entry in ClinVar:

NM_005629.4(SLC6A8):c.1304C>T (p.Ala435Val)

Gene: SLC6A8 (solute carrier family 6 member 8; plus strand). Cytogenetic location: Xq28.
Variant type: single nucleotide variant.
Coding change: c.1304C>T on transcript NM_005629.4 (MANE Select); coding-DNA position 1304, C replaced by T.
Protein change: p.Ala435Val; replaces alanine 435 with valine.
Molecular consequence: missense variant.
Genome position (GRCh38, 1-based): chrX:153,694,179, C>T. VCF-style: chrX-153694179-C-T. GRCh37 (hg19) VCF-style: chrX-152959634-C-T.
Other names: c.1274C>T, p.Ala425Val (NM_001142805.2); c.959C>T, p.Ala320Val (NM_001142806.1); short protein forms A320V, A425V, A435V.
Identifiers: ClinVar variation 3392703 (VCV003392703.2).
Genomic context (GRCh38, chrX:153,694,179, plus strand): 5'-CCTGGCCACAGTTTGTAGGTGTGGAGGGCTTCATCACCGGCCTCCTCGACCTCCTCCCGG[C>T]CTCCTACTACTTCCGTTTCCAAAGGGAGATCTCTGTGGCCCTCTGTTGTGCCCTCTGCTT-3'
Protein context (NP_005620.1, residues 425-445): FITGLLDLLP[Ala435Val]SYYFRFQREI

ClinVar aggregate classification (germline): Uncertain significance (1 of 4 stars; one submission).

gnomAD v4.1: 1 of 1,210,465 alleles (0.000083%); highest among the groups gnomAD compares: Non-Finnish European, 0.00011%; no homozygotes.

Submission:

GeneDx
Classification: Uncertain significance. Last evaluated: 2026-02-04. Review status: criteria provided, single submitter. Criteria: GeneDx Variant Classification Process June 2021. Collection method: clinical testing. Allele origin: germline.
Comment: Not observed at significant frequency in large population cohorts (gnomAD); In silico analysis suggests that this missense variant does not alter protein structure/function; Has not been previously published as pathogenic or benign to our knowledge